The following continues an entry in ClinVar:

NM_000053.4(ATP7B):c.3818C>T (p.Pro1273Leu)

Gene: ATP7B. ClinVar aggregate classification (germline): Pathogenic/Likely pathogenic. Pathogenic (15); Likely pathogenic (1).

Submissions 14 to 17 of 17:

Laboratory for Molecular Medicine, Mass General Brigham Personalized Medicine
Classification: Pathogenic for Wilson disease. Last evaluated: 2020-06-11. Review status: criteria provided, single submitter. Criteria: ACMG Guidelines, 2015. Collection method: clinical testing. Allele origin: germline.
Comment: The p.Pro1273Leu variant in ATP7B has been previously reported in >10 probands with Wilson disease, including at least 7 that were compound heteorzygous for a second pathogenic variant and at least 1 homozygote (Abdelghaffar 2008, Barada 2010, Deguti 2004, Folhoffer 2007, Lee 2011, Moller 2011, Vrabelova 2005, Wiernicka 2013). This variant has also segregated in at least three affected siblings (Deguti 2004, Barada 2010). This variant has been identified in 0.01% (3/24192) of African chromosomes by gnomAD. Computational prediction tools and conservation analysis suggest that this variant may impact the protein. In summary, this variant meets criteria to be classified as pathogenic for autosomal recessive Wilson disease. ACMG/AMP criteria applied: PM3_VeryStrong, PP1_Strong, PM2_Supporting, PP3, PP4.

Women's Health and Genetics/Laboratory Corporation of America, LabCorp
Classification: Pathogenic for Wilson disease. Last evaluated: 2017-08-14. Review status: criteria provided, single submitter. Criteria: LabCorp Variant Classification Summary - May 2015. Collection method: clinical testing. Allele origin: germline.
Comment: Variant summary: The ATP7B c.3818C>T (p.Pro1273Leu) variant located in the P-domain (Huster_2012)involves the alteration of a conserved nucleotide and 5/5 in silico tools predict a damaging outcome for this variant. This variant was found in 4/120750 control chromosomes at a frequency of 0.0000331, which does not exceed the estimated maximal expected allele frequency of a pathogenic ATP7B variant (0.0054006). Multiple publications have cited the variant in affected individuals. A clinical diagnostic laboratory classified this variant as "likely pathogenic." Taken together, this variant is classified as pathogenic.

Juno Genomics, Hangzhou Juno Genomics, Inc
Classification: Pathogenic for Wilson disease. Review status: criteria provided, single submitter. Criteria: ACMG Guidelines, 2015. Collection method: clinical testing. Allele origin: germline. Affected: yes.
Comment: Absent from controls (or at extremely low frequency if recessive) in Genome Aggregation Database, Exome Sequencing Project, 1000 Genomes Project, or Exome Aggregation Consortium.;Multiple lines of computational evidence support a deleterious effect on the gene or gene product (conservation, evolutionary, splicing impact, etc).;For recessive disorders, detected in trans with a pathogenic variant.;Patient's phenotype or family history is highly specific for a disease with a single genetic etiology.;Co-segregation with disease in multiple affected family members in a gene definitively known to cause the disease.

Counsyl
Classification: Pathogenic for Wilson disease. Last evaluated: 2018-10-18. Review status: no assertion criteria provided. Collection method: clinical testing. Allele origin: unknown. Not counted in ClinVar's aggregate classification.

Literature cited by the submitters: PubMed 15024742 (cited by 5 submitters); PubMed 17272994 (cited by 4 submitters); PubMed 20485189 (cited by 3 submitters); PubMed 23551039 (cited by 4 submitters); PubMed 22240481 (cited by 5 submitters); PubMed 22692182 (cited by Labcorp Genetics (formerly Invitae), Labcorp); PubMed 21610751 (cited by 5 submitters); PubMed 8931691 (cited by All of Us Research Program, National Institutes of Health and Color Diagnostics, LLC DBA Color Health); PubMed 11874474 (cited by All of Us Research Program, National Institutes of Health); PubMed 15967699 (cited by 3 submitters); PubMed 16283883 (cited by All of Us Research Program, National Institutes of Health and Color Diagnostics, LLC DBA Color Health); PubMed 17154398 (cited by All of Us Research Program, National Institutes of Health and Color Diagnostics, LLC DBA Color Health); PubMed 17587212 (cited by All of Us Research Program, National Institutes of Health and Color Diagnostics, LLC DBA Color Health); PubMed 18034201 (cited by All of Us Research Program, National Institutes of Health and Color Diagnostics, LLC DBA Color Health); PubMed 18483695 (cited by 4 submitters); PubMed 21682854 (cited by 3 submitters); PubMed 22484412 (cited by All of Us Research Program, National Institutes of Health and Color Diagnostics, LLC DBA Color Health); PubMed 23235335 (cited by All of Us Research Program, National Institutes of Health and Color Diagnostics, LLC DBA Color Health); PubMed 23518715 (cited by 3 submitters); PubMed 23885147 (cited by 3 submitters); PubMed 23982005 (cited by All of Us Research Program, National Institutes of Health and Color Diagnostics, LLC DBA Color Health); PubMed 27022412 (cited by All of Us Research Program, National Institutes of Health and Color Diagnostics, LLC DBA Color Health); PubMed 29085216 (cited by All of Us Research Program, National Institutes of Health and Color Diagnostics, LLC DBA Color Health); PubMed 29637721 (cited by All of Us Research Program, National Institutes of Health and Color Diagnostics, LLC DBA Color Health); PubMed 29930488 (cited by All of Us Research Program, National Institutes of Health and Color Diagnostics, LLC DBA Color Health); PubMed 30230192 (cited by All of Us Research Program, National Institutes of Health and Color Diagnostics, LLC DBA Color Health); PubMed 32618023 (cited by All of Us Research Program, National Institutes of Health and Color Diagnostics, LLC DBA Color Health); PubMed 33640437 (cited by All of Us Research Program, National Institutes of Health and Color Diagnostics, LLC DBA Color Health); PubMed 34773664 (cited by All of Us Research Program, National Institutes of Health and Color Diagnostics, LLC DBA Color Health); PubMed 35245129 (cited by Color Diagnostics, LLC DBA Color Health); PubMed 21645214 (cited by Laboratory for Molecular Medicine, Mass General Brigham Personalized Medicine); PubMed 16696937 (cited by Laboratory for Molecular Medicine, Mass General Brigham Personalized Medicine).